The following is an entry in ClinVar:

ClinVar aggregate classification (germline): Likely pathogenic. Review status: criteria provided, multiple submitters, no conflicts (2 of 4 stars). 2 submissions from 2 submitters: Likely pathogenic (2). Last evaluated 2023-09-19.

Conditions:
ESRRB-related disorders.
Rare genetic deafness. Identifiers: Orphanet 96210, MedGen C5680250.

gnomAD v4.1: 6 of 1,614,160 alleles (0.00037%); highest among the groups gnomAD compares: East Asian, 0.0022%; no homozygotes.

Submissions (2):

Blueprint Genetics
Classification: Likely pathogenic for ESRRB-related disorders. Last evaluated: 2023-09-19. Review status: criteria provided, single submitter. Criteria: ACMG Guidelines, 2015. Collection method: clinical testing. Allele origin: germline. Affected: yes. Observed: 1 variant allele.

Laboratory for Molecular Medicine, Mass General Brigham Personalized Medicine
Classification: Likely pathogenic for Rare genetic deafness. Last evaluated: 2017-06-23. Review status: criteria provided, single submitter. Criteria: LMM Criteria. Collection method: clinical testing. Allele origin: germline. Inheritance: Autosomal recessive inheritance. Observed: 2 variant alleles.
Comment: The p.Arg249X variant in ESRRB has not been previously reported in individuals w ith hearing loss and is absent from large population studies. This nonsense vari ant leads to a premature termination codon at position 249 which is predicted to lead to a truncated or absent protein. Loss of function variants in ESRRB have been associated with autosomal recessive sensorineural hearing loss, however the exact mechanism of disease has not yet been established. In summary, although a dditional studies are required to fully establish its clinical significance, the p.Arg249X variant is likely pathogenic.

NM_001379180.1(ESRRB):c.808C>T (p.Arg270Ter)

Gene: ESRRB (estrogen related receptor beta; plus strand). Cytogenetic location: 14q24.3.
Variant type: single nucleotide variant.
Coding change: c.808C>T on transcript NM_001379180.1 (MANE Select); coding-DNA position 808, C replaced by T.
Protein change: p.Arg270Ter; replaces arginine 270 with a stop codon.
Molecular consequence: nonsense.
Genome position (GRCh38, 1-based): chr14:76,482,717, C>T. VCF-style: chr14-76482717-C-T. GRCh37 (hg19) VCF-style: chr14-76949060-C-T.
Other names: c.745C>T, p.Arg249Ter (NM_004452.4); short protein forms R249*, R270*.
Identifiers: ClinVar variation 517379 (VCV000517379.5), dbSNP rs202023138, ClinGen allele CA390478677.
Genomic context (GRCh38, chr14:76,482,717, plus strand): 5'-CCCCCTGGTATGCCTGAGGGGGACATCAAGGCCCTGACCACTCTCTGTGACCTGGCAGAC[C>T]GAGAGCTTGTGGTCATCATTGGCTGGGCCAAGCACATCCCAGGTGAGCATGTGGGACCAG-3'